The following is an entry in ClinVar:

ClinVar aggregate classification (germline): Benign/Likely benign. Review status: criteria provided, multiple submitters, no conflicts (2 of 4 stars). 8 submissions from 8 submitters: Benign (2); Likely benign (5). 1 of the submissions does not count toward it. Last evaluated 2026-01-25.

Conditions:
Inborn genetic diseases. Identifiers: MedGen C0950123, MeSH D030342.
CREBBP-related disorder. Also called: CREBBP-related disorders; CREBBP-related condition.
Rubinstein-Taybi syndrome (RSTS). Identifiers: Orphanet 783, MedGen C0035934, MONDO:0019188.
Menke-Hennekam syndrome 1 (MKHK1). Identifiers: MedGen C5193034, MONDO:0020763, OMIM 618332.
Rubinstein-Taybi syndrome due to CREBBP mutations (RSTS1). Also called: Rubinstein-Taybi syndrome 1; RUBINSTEIN-TAYBI SYNDROME 1, INCOMPLETE; BROAD THUMBS AND GREAT TOES, CHARACTERISTIC FACIES, AND IMPAIRED INTELLECTUAL DEVELOPMENT; CREBBP-Related Rubinstein-Taybi Syndrome; BROAD THUMB-HALLUX SYNDROME; RUBINSTEIN SYNDROME. Identifiers: Orphanet 353277, Orphanet 783, MedGen C4551859, MONDO:0008393, OMIM 180849.

Allele frequency attached by ClinVar (database versions not stated): gnomAD exomes 0.00034 and 0.00076; ExAC 0.00093; 1000 Genomes Project 0.00220; 1000 Genomes Project 30x 0.00234; gnomAD 0.00244 and 0.00267; TOPMed 0.00273; ESP Exome Variant Server 0.00377.
gnomAD v4.1: 881 of 1,613,842 alleles (0.055%); highest among the groups gnomAD compares: African/African-American, 0.85%; 3 homozygotes.

Submissions (8):

Labcorp Genetics (formerly Invitae), Labcorp
Classification: Benign for Rubinstein-Taybi syndrome. Last evaluated: 2026-01-25. Review status: criteria provided, single submitter. Criteria: Invitae Variant Classification Sherloc (09022015). Collection method: clinical testing. Allele origin: germline.

CeGaT Center for Human Genetics Tuebingen
Classification: Likely benign. Last evaluated: 2025-12-01. Review status: criteria provided, single submitter. Criteria: CeGaT Center For Human Genetics Tuebingen Variant Classification Criteria Version 2. Collection method: clinical testing. Allele origin: germline. Affected: yes. Observed: 2 variant alleles.
Comment: CREBBP: BP4, BS1

Blueprint Genetics
Classification: Likely benign. Last evaluated: 2024-07-30. Review status: criteria provided, single submitter. Criteria: ACMG Guidelines, 2015. Collection method: clinical testing. Allele origin: germline.

Fulgent Genetics
Classification: Likely benign for Rubinstein-Taybi syndrome due to CREBBP mutations; Menke-Hennekam syndrome 1. Last evaluated: 2021-08-06. Review status: criteria provided, single submitter. Criteria: ACMG Guidelines, 2015. Collection method: clinical testing. Allele origin: unknown.

Eurofins Ntd Llc (ga)
Classification: Benign. Last evaluated: 2016-12-29. Review status: criteria provided, single submitter. Criteria: EGL Classification Definitions 2015. Collection method: clinical testing. Allele origin: germline. Observed: 1 variant allele, 1 heterozygote.

Ambry Genetics
Classification: Likely benign for Inborn genetic diseases. Last evaluated: 2016-10-03. Review status: criteria provided, single submitter. Criteria: Ambry Variant Classification Scheme 2023. Collection method: clinical testing. Allele origin: germline.

Breakthrough Genomics
Classification: Likely benign. Review status: criteria provided, single submitter. Criteria: ACMG Guidelines, 2015. Collection method: not provided. Allele origin: germline. Inheritance: Autosomal dominant inheritance. Affected: yes.

PreventionGenetics, part of Exact Sciences
Classification: Benign for CREBBP-related condition. Last evaluated: 2020-10-10. Review status: no assertion criteria provided. Collection method: clinical testing. Allele origin: germline. Not counted in ClinVar's aggregate classification.
Comment: This variant is classified as benign based on ACMG/AMP sequence variant interpretation guidelines (Richards et al. 2015 PMID: 25741868, with internal and published modifications).

NM_004380.3(CREBBP):c.6849C>T (p.Ser2283=)

Gene: CREBBP (CREB binding lysine acetyltransferase; minus strand). Cytogenetic location: 16p13.3.
Variant type: single nucleotide variant.
Coding change: c.6849C>T on transcript NM_004380.3 (MANE Select); coding-DNA position 6849, C replaced by T.
Protein change: p.Ser2283=; no amino-acid change (serine 2283 retained).
Molecular consequence: synonymous variant.
Genome position (GRCh38, 1-based): chr16:3,728,198, G>A on the plus strand (C>T on the coding strand, the complement: CREBBP is on the minus strand). VCF-style: chr16-3728198-G-A. GRCh37 (hg19) VCF-style: chr16-3778199-G-A.
Other names: c.6735C>T, p.Ser2245= (NM_001079846.1).
Identifiers: ClinVar variation 498863 (VCV000498863.66), dbSNP rs148904096, ClinGen allele CA7868984.
Genomic context (GRCh38, chr16:3,728,198, plus strand): 5'-CTGCTTCATCTGCTGTTGCTGCAGAATCCGCTGCTGCAGGGCTTGCTGGATGTTGGGGGT[G>A]CTGTCTGCCCCCAGCCCCGGCTGCCCCATCTGGCCAAGCTGTCCCATCTGAGCCGCCATC-3'
Protein context (NP_004371.2, residues 2273-2293): QMGQPGLGAD[Ser2283=]TPNIQQALQQ